The following is an entry in ClinVar:

NM_001379286.1(ZNF423):c.1325C>T (p.Ala442Val)

Gene: ZNF423 (zinc finger protein 423; minus strand). Cytogenetic location: 16q12.1.
Variant type: single nucleotide variant.
Coding change: c.1325C>T on transcript NM_001379286.1 (MANE Select); coding-DNA position 1325, C replaced by T.
Protein change: p.Ala442Val; replaces alanine 442 with valine.
Molecular consequence: missense variant.
Genome position (GRCh38, 1-based): chr16:49,637,851, G>A on the plus strand (C>T on the coding strand, the complement: ZNF423 is on the minus strand). VCF-style: chr16-49637851-G-A. GRCh37 (hg19) VCF-style: chr16-49671762-G-A.
Other names: c.1121C>T, p.Ala374Val (NM_001271620.2); c.950C>T, p.Ala317Val (NM_001330533.2); c.1301C>T, p.Ala434Val (NM_015069.5); short protein forms A434V, A317V, A374V, A442V.
Identifiers: ClinVar variation 861021 (VCV000861021.9), dbSNP rs142517429, ClinGen allele CA8046703.

ClinVar aggregate classification (germline): Uncertain significance. Review status: criteria provided, multiple submitters, no conflicts (2 of 4 stars). 3 submissions from 3 submitters: Uncertain significance (3). Last evaluated 2024-12-02.

Conditions:
Nephronophthisis 14 (NPHP14). Identifiers: Orphanet 2318, MedGen C3539071, MONDO:0013916, OMIM 614844.

Allele frequency attached by ClinVar (database versions not stated): 1000 Genomes Project 30x 0.00016; gnomAD exomes 0.00016; gnomAD 0.00019 and 0.00020; 1000 Genomes Project 0.00020; ExAC 0.00020; TOPMed 0.00022; ESP Exome Variant Server 0.00038.
gnomAD v4.1: 313 of 1,614,174 alleles (0.019%); highest among the groups gnomAD compares: African/African-American, 0.033%; no homozygotes.

Submissions (3):

Labcorp Genetics (formerly Invitae), Labcorp
Classification: Uncertain significance for Nephronophthisis 14. Last evaluated: 2024-12-02. Review status: criteria provided, single submitter. Criteria: Invitae Variant Classification Sherloc (09022015). Collection method: clinical testing. Allele origin: germline.
Comment: This sequence change replaces alanine, which is neutral and non-polar, with valine, which is neutral and non-polar, at codon 434 of the ZNF423 protein (p.Ala434Val). This variant is present in population databases (rs142517429, gnomAD 0.03%). This variant has not been reported in the literature in individuals affected with ZNF423-related conditions. ClinVar contains an entry for this variant (Variation ID: 861021). Invitae Evidence Modeling of protein sequence and biophysical properties (such as structural, functional, and spatial information, amino acid conservation, physicochemical variation, residue mobility, and thermodynamic stability) indicates that this missense variant is not expected to disrupt ZNF423 protein function with a negative predictive value of 80%. In summary, the available evidence is currently insufficient to determine the role of this variant in disease. Therefore, it has been classified as a Variant of Uncertain Significance.

Fulgent Genetics
Classification: Uncertain significance for Nephronophthisis 14. Last evaluated: 2022-03-29. Review status: criteria provided, single submitter. Criteria: ACMG Guidelines, 2015. Collection method: clinical testing. Allele origin: unknown.

Revvity Omics, Revvity
Classification: Uncertain significance for Nephronophthisis 14. Last evaluated: 2020-12-29. Review status: criteria provided, single submitter. Criteria: ACMG Guidelines, 2015. Collection method: clinical testing. Allele origin: germline.